The following is an entry in ClinVar:

ClinVar aggregate classification (germline): Likely benign (1 of 4 stars; one submission).

Conditions:
NKX2-5-related disorder. Also called: NKX2-5-related condition.

Submission:

PreventionGenetics, part of Exact Sciences
Classification: Likely benign for NKX2-5-related condition. Last evaluated: 2026-05-09. Review status: criteria provided, single submitter. Criteria: ACMG Guidelines, 2015. Collection method: clinical testing. Allele origin: germline.
Comment: This variant is classified as likely benign based on ACMG/AMP sequence variant interpretation guidelines (Richards et al. 2015 PMID: 25741868, with internal and published modifications).

NM_004387.4(NKX2-5):c.335-301_335-297dup

Gene: NKX2-5 (NK2 homeobox 5; minus strand). Cytogenetic location: 5q35.1.
Variant type: Duplication.
Coding change: c.335-301_335-297dup on transcript NM_004387.4 (MANE Select); 301 bases into the intron before coding-DNA position 335 through 297 bases into the intron before coding-DNA position 335, 5 bases duplicated (TTTTT; older notation c.335-301_335-297dupTTTTT).
Molecular consequence: intron variant.
Genome position (GRCh38, 1-based): chr5:173,233,506-173,233,510, AAAAA duplicated on the plus strand (TTTTT on the coding strand, the reverse complement: NKX2-5 is on the minus strand); duplicating any 5 consecutive bases within chr5:173,233,506-173,233,519 gives the same sequence; the c. name uses the placement nearest the transcript's 3' end. VCF-style (leftmost placement, unchanged base first): chr5-173233505-C-CAAAAA. GRCh37 (hg19) VCF-style: chr5-172660508-C-CAAAAA.
Other names: c.335-46_335-42dup (NM_001166176.2); c.335-9_335-5dup (NM_001166175.2).
Identifiers: ClinVar variation 4990416 (VCV004990416.1).